The following is an entry in ClinVar:

ClinVar aggregate classification (germline): Likely benign. Review status: criteria provided, multiple submitters, no conflicts (2 of 4 stars). 4 submissions from 4 submitters: Likely benign (4). Last evaluated 2023-06-01.

Conditions:
Arrhythmogenic cardiomyopathy with wooly hair and keratoderma. Also called: PALMOPLANTAR KERATODERMA WITH LEFT VENTRICULAR CARDIOMYOPATHY AND WOOLLY HAIR; Carvajal syndrome; Dilated cardiomyopathy with woolly hair and keratoderma; Arrhythmogenic cardiomyopathy with woolly hair and keratoderma. Identifiers: Orphanet 65282, MedGen C1854063, MONDO:0011581, OMIM 605676.
Arrhythmogenic right ventricular dysplasia 8 (ARVD8). Also called: Arrhythmogenic Right Ventricular Dysplasia/Cardiomyopathy 8; ARRHYTHMOGENIC RIGHT VENTRICULAR DYSPLASIA, FAMILIAL, 8; ARRHYTHMOGENIC RIGHT VENTRICULAR CARDIOMYOPATHY 8. Identifiers: MedGen C1843896, MONDO:0011831, OMIM 607450.
Cardiovascular phenotype. Identifiers: MedGen CN230736.

Allele frequency attached by ClinVar (database versions not stated): gnomAD exomes below 0.00001; TOPMed below 0.00001.
gnomAD v4.1: 1 of 1,614,142 alleles (0.000062%); highest among the groups gnomAD compares: Non-Finnish European, 0.000085%; no homozygotes.

Submissions (4):

CeGaT Center for Human Genetics Tuebingen
Classification: Likely benign. Last evaluated: 2023-06-01. Review status: criteria provided, single submitter. Criteria: CeGaT Center For Human Genetics Tuebingen Variant Classification Criteria Version 2. Collection method: clinical testing. Allele origin: germline. Affected: yes. Observed: 1 variant allele.
Comment: DSP: PM2:Supporting, BP4, BP7

All of Us Research Program, National Institutes of Health
Classification: Likely benign for Arrhythmogenic cardiomyopathy with wooly hair and keratoderma. Last evaluated: 2023-04-10. Review status: criteria provided, single submitter. Criteria: ACMG Guidelines, 2015. Collection method: clinical testing. Allele origin: germline. Inheritance: Autosomal dominant inheritance. Observed: 1 variant allele, 1 heterozygote.
Comment: This study involves interpretation of variants in research participants for the purpose of population health screening. Participant phenotype was not available at the time of variant classification. Additional details can be found in publication PMID: 35346344, PMCID: PMC8962531

Labcorp Genetics (formerly Invitae), Labcorp
Classification: Likely benign for Arrhythmogenic cardiomyopathy with wooly hair and keratoderma; Arrhythmogenic right ventricular dysplasia 8. Last evaluated: 2022-08-09. Review status: criteria provided, single submitter. Criteria: Invitae Variant Classification Sherloc (09022015). Collection method: clinical testing. Allele origin: germline.

Ambry Genetics
Classification: Likely benign for Cardiovascular phenotype. Last evaluated: 2020-01-10. Review status: criteria provided, single submitter. Criteria: Ambry Variant Classification Scheme 2023. Collection method: clinical testing. Allele origin: germline.

NM_004415.4(DSP):c.8178C>T (p.Phe2726=)

Gene: DSP (desmoplakin; plus strand). Cytogenetic location: 6p24.3.
Variant type: single nucleotide variant.
Coding change: c.8178C>T on transcript NM_004415.4 (MANE Select); coding-DNA position 8178, C replaced by T.
Protein change: p.Phe2726=; no amino-acid change (phenylalanine 2726 retained).
Molecular consequence: synonymous variant.
Genome position (GRCh38, 1-based): chr6:7,585,440, C>T. VCF-style: chr6-7585440-C-T. GRCh37 (hg19) VCF-style: chr6-7585673-C-T.
Other names: c.6381C>T, p.Phe2127= (NM_001008844.3); c.6849C>T, p.Phe2283= (NM_001319034.2); c.8178C>T (LRG_423t1).
Identifiers: ClinVar variation 534327 (VCV000534327.36), dbSNP rs901698792, ClinGen allele CA133977358.